The following is an entry in ClinVar:

ClinVar aggregate classification (germline): Uncertain significance (1 of 4 stars; one submission).

Conditions:
Arts syndrome (ARTS). Also called: MENTAL RETARDATION, X-LINKED, SYNDROMIC 18; MENTAL RETARDATION, X-LINKED, SYNDROMIC, ARTS TYPE; ARTS SYNDROME AND PHOSPHORIBOSYLPYROPHOSPHATE SYNTHETASE SUPERACTIVITY. Identifiers: Orphanet 1187, MedGen C0796028, MONDO:0010533, OMIM 301835.

Submission:

Baylor Genetics
Classification: Uncertain significance for Arts syndrome. Last evaluated: 2018-01-13. Review status: criteria provided, single submitter. Criteria: ACMG Guidelines, 2015. Collection method: clinical testing. Allele origin: maternal. Affected: yes.
Comment: This variant was determined to be of uncertain significance according to ACMG Guidelines, 2015 [PMID:25741868].

NM_002764.4(PRPS1):c.842T>G (p.Met281Arg)

Gene: PRPS1 (phosphoribosyl pyrophosphate synthetase 1; plus strand). Cytogenetic location: Xq22.3.
Variant type: single nucleotide variant.
Coding change: c.842T>G on transcript NM_002764.4 (MANE Select); coding-DNA position 842, T replaced by G.
Protein change: p.Met281Arg; replaces methionine 281 with arginine.
Molecular consequence: missense variant.
Genome position (GRCh38, 1-based): chrX:107,647,743, T>G. VCF-style: chrX-107647743-T-G. GRCh37 (hg19) VCF-style: chrX-106890973-T-G.
Other names: c.230T>G, p.Met77Arg (NM_001204402.2); short protein forms M77R, M281R.
Identifiers: ClinVar variation 1032085 (VCV001032085.1), dbSNP rs1925733763, ClinGen allele CA413814873.